The following is an entry in ClinVar:

NM_015909.4(NBAS):c.6863A>G (p.Gln2288Arg)

Gene: NBAS (NBAS subunit of NRZ tethering complex; minus strand). Cytogenetic location: 2p24.3.
Variant type: single nucleotide variant.
Coding change: c.6863A>G on transcript NM_015909.4 (MANE Select); coding-DNA position 6863, A replaced by G.
Protein change: p.Gln2288Arg; replaces glutamine 2288 with arginine.
Molecular consequence: missense variant. On other transcripts: non-coding transcript variant (1).
Genome position (GRCh38, 1-based): chr2:15,167,301, T>C on the plus strand (A>G on the coding strand, the complement: NBAS is on the minus strand). VCF-style: chr2-15167301-T-C. GRCh37 (hg19) VCF-style: chr2-15307425-T-C.
Other names: short protein forms Q2288R.
Identifiers: ClinVar variation 2113544 (VCV002113544.4), dbSNP rs2527906333, ClinGen allele CA345912253.

ClinVar aggregate classification (germline): Uncertain significance (1 of 4 stars; one submission).

Allele frequency attached by ClinVar (database versions not stated): gnomAD exomes below 0.00001.
gnomAD v4.1: 2 of 1,614,254 alleles (0.00012%); highest among the groups gnomAD compares: Non-Finnish European, 0.00017%; no homozygotes.

Submission:

Labcorp Genetics (formerly Invitae), Labcorp
Classification: Uncertain significance. Last evaluated: 2023-08-17. Review status: criteria provided, single submitter. Criteria: Invitae Variant Classification Sherloc (09022015). Collection method: clinical testing. Allele origin: germline.
Comment: This sequence change replaces glutamine, which is neutral and polar, with arginine, which is basic and polar, at codon 2288 of the NBAS protein (p.Gln2288Arg). This variant is not present in population databases (gnomAD no frequency). This variant has not been reported in the literature in individuals affected with NBAS-related conditions. ClinVar contains an entry for this variant (Variation ID: 2113544). Advanced modeling of protein sequence and biophysical properties (such as structural, functional, and spatial information, amino acid conservation, physicochemical variation, residue mobility, and thermodynamic stability) performed at Invitae indicates that this missense variant is not expected to disrupt NBAS protein function. In summary, the available evidence is currently insufficient to determine the role of this variant in disease. Therefore, it has been classified as a Variant of Uncertain Significance.